The following is an entry in ClinVar:

NM_002439.5(MSH3):c.1527C>A (p.Tyr509Ter)

Gene: MSH3 (mutS homolog 3; plus strand). Cytogenetic location: 5q14.1.
Variant type: single nucleotide variant.
Coding change: c.1527C>A on transcript NM_002439.5 (MANE Select); coding-DNA position 1527, C replaced by A.
Protein change: p.Tyr509Ter; replaces tyrosine 509 with a stop codon.
Molecular consequence: nonsense.
Genome position (GRCh38, 1-based): chr5:80,728,924, C>A. VCF-style: chr5-80728924-C-A. GRCh37 (hg19) VCF-style: chr5-80024743-C-A.
Other names: short protein forms Y509*.
Identifiers: ClinVar variation 3148711 (VCV003148711.1), dbSNP rs764435977, ClinGen allele CA360274294.

ClinVar aggregate classification (germline): Pathogenic (1 of 4 stars; one submission).

Conditions:
Familial adenomatous polyposis 4 (FAP4). Also called: MSH3-related attenuated familial adenomatous polyposis. Identifiers: Orphanet 480536, MedGen C4310719, MONDO:0044300, OMIM 617100.

Allele frequency attached by ClinVar (database versions not stated): gnomAD exomes below 0.00001.
gnomAD v4.1: 1 of 1,611,708 alleles (0.000062%); highest among the groups gnomAD compares: Non-Finnish European, 0.000085%; no homozygotes.

Submission:

Myriad Genetics, Inc.
Classification: Pathogenic for Familial adenomatous polyposis 4. Last evaluated: 2024-02-29. Review status: criteria provided, single submitter. Criteria: Myriad Autosomal Dominant, Autosomal Recessive and X-Linked Classification Criteria (2023). Collection method: clinical testing. Allele origin: unknown.
Comment: This variant is considered pathogenic. This variant creates a termination codon and is predicted to result in premature protein truncation.